The following is an entry in ClinVar:

ClinVar aggregate classification (germline): Uncertain significance. Review status: criteria provided, multiple submitters, no conflicts (2 of 4 stars). 2 submissions from 2 submitters: Uncertain significance (2). Last evaluated 2025-08-05.

gnomAD v4.1: 9 of 1,613,828 alleles (0.00056%); highest among the groups gnomAD compares: Admixed American, 0.01%; no homozygotes.

Submissions (2):

GeneDx
Classification: Uncertain significance. Last evaluated: 2025-08-05. Review status: criteria provided, single submitter. Criteria: GeneDx Variant Classification Process June 2021. Collection method: clinical testing. Allele origin: germline. Affected: yes.
Comment: Not observed at significant frequency in large population cohorts (gnomAD); In silico analysis supports that this missense variant has a deleterious effect on protein structure/function; Has not been previously published as pathogenic or benign to our knowledge

Labcorp Genetics (formerly Invitae), Labcorp
Classification: Uncertain significance. Last evaluated: 2022-08-20. Review status: criteria provided, single submitter. Criteria: Invitae Variant Classification Sherloc (09022015). Collection method: clinical testing. Allele origin: germline.
Comment: This sequence change replaces arginine, which is basic and polar, with leucine, which is neutral and non-polar, at codon 504 of the AARS2 protein (p.Arg504Leu). This variant is present in population databases (no rsID available, gnomAD 0.01%). This variant has not been reported in the literature in individuals affected with AARS2-related conditions. Advanced modeling of protein sequence and biophysical properties (such as structural, functional, and spatial information, amino acid conservation, physicochemical variation, residue mobility, and thermodynamic stability) performed at Invitae indicates that this missense variant is not expected to disrupt AARS2 protein function. In summary, the available evidence is currently insufficient to determine the role of this variant in disease. Therefore, it has been classified as a Variant of Uncertain Significance.

NM_020745.4(AARS2):c.1511G>T (p.Arg504Leu)

Gene: AARS2 (alanyl-tRNA synthetase 2, mitochondrial; minus strand). Cytogenetic location: 6p21.1.
Variant type: single nucleotide variant.
Coding change: c.1511G>T on transcript NM_020745.4 (MANE Select); coding-DNA position 1511, G replaced by T.
Protein change: p.Arg504Leu; replaces arginine 504 with leucine.
Molecular consequence: missense variant.
Genome position (GRCh38, 1-based): chr6:44,305,122, C>A on the plus strand (G>T on the coding strand, the complement: AARS2 is on the minus strand). VCF-style: chr6-44305122-C-A. GRCh37 (hg19) VCF-style: chr6-44272859-C-A.
Other names: c.1511G>T (NM_020745.2); short protein forms R504L.
Identifiers: ClinVar variation 1921685 (VCV001921685.3), dbSNP rs779531267, ClinGen allele CA364338862.